The following is an entry in ClinVar:

ClinVar aggregate classification (germline): Likely benign. Review status: criteria provided, multiple submitters, no conflicts (2 of 4 stars). 5 submissions from 5 submitters: Likely benign (5). Last evaluated 2026-01-28.

Conditions:
Inborn genetic diseases. Identifiers: MedGen C0950123, MeSH D030342.
Familial sleep-related hypermotor epilepsy. Also called: Autosomal Dominant Sleep-Related Hypermotor (Hyperkinetic) Epilepsy. Identifiers: Orphanet 98784, MedGen C3696898, MONDO:0000030.

Allele frequency attached by ClinVar (database versions not stated): gnomAD exomes 0.00002 and 0.00004; gnomAD 0.00004; TOPMed 0.00004; ExAC 0.00007.

Submissions (5):

Labcorp Genetics (formerly Invitae), Labcorp
Classification: Likely benign. Last evaluated: 2026-01-28. Review status: criteria provided, single submitter. Criteria: Invitae Variant Classification Sherloc (09022015). Collection method: clinical testing. Allele origin: germline.

Blueprint Genetics
Classification: Likely benign. Last evaluated: 2024-11-07. Review status: criteria provided, single submitter. Criteria: ACMG Guidelines, 2015. Collection method: clinical testing. Allele origin: germline.

CeGaT Center for Human Genetics Tuebingen
Classification: Likely benign. Last evaluated: 2022-05-01. Review status: criteria provided, single submitter. Criteria: CeGaT Center For Human Genetics Tuebingen Variant Classification Criteria Version 2. Collection method: clinical testing. Allele origin: germline. Affected: yes. Observed: 1 variant allele.
Comment: CHRNB2: BP4, BP7

GeneDx
Classification: Likely benign. Last evaluated: 2018-06-21. Review status: criteria provided, single submitter. Criteria: GeneDx Variant Classification Process June 2021. Collection method: clinical testing. Allele origin: germline. Affected: yes.

Ambry Genetics
Classification: Likely benign for Inborn genetic diseases. Last evaluated: 2016-12-08. Review status: criteria provided, single submitter. Criteria: Ambry Variant Classification Scheme 2023. Collection method: clinical testing. Allele origin: germline.

NM_000748.3(CHRNB2):c.201C>T (p.Leu67=)

Gene: CHRNB2 (cholinergic receptor nicotinic beta 2 subunit; plus strand). Cytogenetic location: 1q21.3.
Variant type: single nucleotide variant.
Coding change: c.201C>T on transcript NM_000748.3 (MANE Select); coding-DNA position 201, C replaced by T.
Protein change: p.Leu67=; no amino-acid change (leucine 67 retained).
Molecular consequence: synonymous variant.
Genome position (GRCh38, 1-based): chr1:154,569,598, C>T. VCF-style: chr1-154569598-C-T. GRCh37 (hg19) VCF-style: chr1-154542074-C-T.
Identifiers: ClinVar variation 477013 (VCV000477013.42), dbSNP rs773706734, ClinGen allele CA1130642.